The following is an entry in ClinVar:

NM_019045.5(WDR44):c.2149A>G (p.Ile717Val)

Gene: WDR44 (WD repeat domain 44; plus strand). Cytogenetic location: Xq24.
Variant type: single nucleotide variant.
Coding change: c.2149A>G on transcript NM_019045.5 (MANE Select); coding-DNA position 2149, A replaced by G.
Protein change: p.Ile717Val; replaces isoleucine 717 with valine.
Molecular consequence: missense variant. On other transcripts: intron variant (1).
Genome position (GRCh38, 1-based): chrX:118,441,542, A>G. VCF-style: chrX-118441542-A-G. GRCh37 (hg19) VCF-style: chrX-117575505-A-G.
Other names: c.2149A>G, p.Ile717Val (NM_001184965.2); c.1900-702A>G (NM_001184966.1); short protein forms I717V.
Identifiers: ClinVar variation 4075711 (VCV004075711.1).

ClinVar aggregate classification (germline): Uncertain significance (1 of 4 stars; one submission).

gnomAD v4.1: 1 of 1,203,146 alleles (0.000083%); highest among the groups gnomAD compares: Admixed American, 0.0022%; no homozygotes.

Submission:

GeneDx
Classification: Uncertain significance. Last evaluated: 2025-02-15. Review status: criteria provided, single submitter. Criteria: GeneDx Variant Classification Process June 2021. Collection method: clinical testing. Allele origin: germline. Affected: yes.
Comment: Not observed at significant frequency in large population cohorts (gnomAD); In silico analysis indicates that this missense variant does not alter protein structure/function; Has not been previously published as pathogenic or benign to our knowledge